The following is an entry in ClinVar:

ClinVar aggregate classification (germline): Uncertain significance (1 of 4 stars; one submission).

Allele frequency attached by ClinVar (database versions not stated): gnomAD exomes below 0.00001; ExAC 0.00001; gnomAD 0.00001.

Submission:

Labcorp Genetics (formerly Invitae), Labcorp
Classification: Uncertain significance. Last evaluated: 2024-01-09. Review status: criteria provided, single submitter. Criteria: Invitae Variant Classification Sherloc (09022015). Collection method: clinical testing. Allele origin: germline.
Comment: This sequence change replaces alanine, which is neutral and non-polar, with valine, which is neutral and non-polar, at codon 403 of the MKL1 protein (p.Ala403Val). This variant is present in population databases (rs752013119, gnomAD 0.003%). This variant has not been reported in the literature in individuals affected with MKL1-related conditions. An algorithm developed to predict the effect of missense changes on protein structure and function (PolyPhen-2) suggests that this variant is likely to be tolerated. Algorithms developed to predict the effect of sequence changes on RNA splicing suggest that this variant may create or strengthen a splice site. In summary, the available evidence is currently insufficient to determine the role of this variant in disease. Therefore, it has been classified as a Variant of Uncertain Significance.

NM_020831.6(MRTFA):c.1508C>T (p.Ala503Val)

Gene: MRTFA (myocardin related transcription factor A; minus strand). Cytogenetic location: 22q13.1.
Variant type: single nucleotide variant.
Coding change: c.1508C>T on transcript NM_020831.6 (MANE Select); coding-DNA position 1508, C replaced by T.
Protein change: p.Ala503Val; replaces alanine 503 with valine.
Molecular consequence: missense variant.
Genome position (GRCh38, 1-based): chr22:40,419,230, G>A on the plus strand (C>T on the coding strand, the complement: MRTFA is on the minus strand). VCF-style: chr22-40419230-G-A. GRCh37 (hg19) VCF-style: chr22-40815234-G-A.
Other names: c.1208C>T, p.Ala403Val (NM_001282660.2); c.1358C>T, p.Ala453Val (NM_001282661.3); c.1508C>T, p.Ala503Val (NM_001282662.3); c.1313C>T, p.Ala438Val (NM_001318139.2); short protein forms A453V, A503V, A403V, A438V.
Identifiers: ClinVar variation 2975114 (VCV002975114.3), dbSNP rs752013119, ClinGen allele CA10249655.
Genomic context (GRCh38, chr22:40,419,230, plus strand): 5'-GCCACCAGGGCTGGCCCCGTGCTCAGCCGGGCCGCTGGGAAGGCTACCACCACCTCGCCA[G>A]CCTTGTGCAGGATAGAGGTGGCGGCAGGGGCCTTGGGGGCTCCTGGCACAGGGCTGATTT-3'
Protein context (NP_065882.2, residues 493-513): APAATSILHK[Ala503Val]GEVVVAFPAA